The following is an entry in ClinVar:

ClinVar aggregate classification (germline): Uncertain significance (1 of 4 stars; one submission).

Allele frequency attached by ClinVar (database versions not stated): gnomAD exomes below 0.00001; ExAC 0.00001.
gnomAD v4.1: 1 of 1,613,294 alleles (0.000062%); highest among the groups gnomAD compares: Non-Finnish European, 0.000085%; no homozygotes.

Submission:

GeneDx
Classification: Uncertain significance. Last evaluated: 2019-09-19. Review status: criteria provided, single submitter. Criteria: GeneDx Variant Classification Process June 2021. Collection method: clinical testing. Allele origin: germline. Affected: yes.
Comment: Not observed at a significant frequency in large population cohorts (Lek et al., 2016); In silico analysis, which includes protein predictors and evolutionary conservation, supports a deleterious effect; Has not been previously published as pathogenic or benign to our knowledge

NM_000163.5(GHR):c.653A>G (p.Tyr218Cys)

Gene: GHR (growth hormone receptor; plus strand). Cytogenetic location: 5p12.
Variant type: single nucleotide variant.
Coding change: c.653A>G on transcript NM_000163.5 (MANE Select); coding-DNA position 653, A replaced by G.
Protein change: p.Tyr218Cys; replaces tyrosine 218 with cysteine.
Molecular consequence: missense variant.
Genome position (GRCh38, 1-based): chr5:42,711,241, A>G. VCF-style: chr5-42711241-A-G. GRCh37 (hg19) VCF-style: chr5-42711343-A-G.
Other names: c.674A>G, p.Tyr225Cys (NM_001242399.2); c.653A>G, p.Tyr218Cys (NM_001242400.2, NM_001242401.4, NM_001242402.2 and 5 more transcripts); c.587A>G, p.Tyr196Cys (NM_001242460.2); short protein forms Y196C, Y218C, Y225C.
Identifiers: ClinVar variation 1186321 (VCV001186321.2), dbSNP rs762344584, ClinGen allele CA3254465.
Genomic context (GRCh38, chr5:42,711,241, plus strand): 5'-TATGCGTTTATATTTTGTCTTGAAAGATGGACCCTATATTGACAACATCAGTTCCAGTGT[A>G]CTCATTGAAAGTGGATAAGGAATATGAAGTGCGTGTGAGATCCAAACAACGAAACTCTGG-3'
Protein context (NP_000154.1, residues 208-228): DPILTTSVPV[Tyr218Cys]SLKVDKEYEV